The following is an entry in ClinVar:

ClinVar aggregate classification (germline): Pathogenic. Review status: criteria provided, multiple submitters, no conflicts (2 of 4 stars). 4 submissions from 4 submitters: Pathogenic (3). 1 of the submissions does not count toward it. Last evaluated 2022-10-23.

Conditions:
Chondrodysplasia with joint dislocations, gPAPP type. Also called: GPAPP DEFICIENCY. Identifiers: Orphanet 280586, MedGen C3279757, MONDO:0013561, OMIM 614078.

Allele frequency attached by ClinVar (database versions not stated): gnomAD exomes 0.00001.

Submissions (4):

Baylor Genetics
Classification: Pathogenic for Chondrodysplasia with joint dislocations, gPAPP type. Last evaluated: 2022-10-23. Review status: criteria provided, single submitter. Criteria: ACMG Guidelines, 2015. Collection method: clinical testing. Allele origin: unknown.

Knight Diagnostic Laboratories, Oregon Health and Sciences University
Classification: Pathogenic for Chondrodysplasia with joint dislocations, GPAPP type. Last evaluated: 2019-07-29. Review status: criteria provided, single submitter. Criteria: ACMG Guidelines, 2015. Collection method: clinical testing. Allele origin: germline. Observed: 1 variant allele.

GeneDx
Classification: Pathogenic. Last evaluated: 2017-11-30. Review status: criteria provided, single submitter. Criteria: GeneDx Variant Classification (06012015). Collection method: clinical testing. Allele origin: germline. Affected: yes.
Comment: The R187X variant in the IMPAD1 gene has been reported previously in the homozygous state in two unrelated individuals with IMPAD1-related disorder (Vissers et al., 2011; Nizon et al., 2012). This variant is predicted to cause loss of normal protein function either through protein truncation or nonsense-mediated mRNA decay. The R187X variant is not observed in large population cohorts (Lek et al., 2016). We interpret R187X as a pathogenic variant.

OMIM
Classification: Pathogenic for CHONDRODYSPLASIA WITH JOINT DISLOCATIONS, GPAPP TYPE. Last evaluated: 2012-09-01. Review status: no assertion criteria provided. Collection method: literature only. Allele origin: germline. Not counted in ClinVar's aggregate classification.

Literature cited by the submitters: PubMed 21549340 (cited by OMIM); PubMed 22887726 (cited by OMIM).

NM_017813.5(BPNT2):c.559C>T (p.Arg187Ter)

Gene: BPNT2 (3'(2'), 5'-bisphosphate nucleotidase 2; minus strand). Cytogenetic location: 8q12.1.
Variant type: single nucleotide variant.
Coding change: c.559C>T on transcript NM_017813.5 (MANE Select); coding-DNA position 559, C replaced by T.
Protein change: p.Arg187Ter; replaces arginine 187 with a stop codon.
Molecular consequence: nonsense.
Genome position (GRCh38, 1-based): chr8:56,978,137, G>A on the plus strand (C>T on the coding strand, the complement: BPNT2 is on the minus strand). VCF-style: chr8-56978137-G-A. GRCh37 (hg19) VCF-style: chr8-57890696-G-A.
Other names: short protein forms R187*.
Identifiers: ClinVar variation 31092 (VCV000031092.5), dbSNP rs387907103, ClinGen allele CA129659.
Genomic context (GRCh38, chr8:56,978,137, plus strand): 5'-TAACTCCTAGCATGGGTTTACCATTTACAGCCACACACACCATAGTAGTGACGTACTTTC[G>A]AAGATCCTCTATGAGAAAAAAAACAAAACAACACACACAAATGTCAAAGTAATGTGCATA-3'